The following is an entry in ClinVar:

ClinVar aggregate classification (germline): Likely benign (1 of 4 stars; one submission).

Submission:

CeGaT Center for Human Genetics Tuebingen
Classification: Likely benign. Last evaluated: 2022-11-01. Review status: criteria provided, single submitter. Criteria: CeGaT Center For Human Genetics Tuebingen Variant Classification Criteria Version 2. Collection method: clinical testing. Allele origin: germline. Affected: yes. Observed: 1 variant allele.
Comment: NUP214: PM2:Supporting, BP4, BP7

NM_005085.4(NUP214):c.3471A>C (p.Pro1157=)

Gene: NUP214 (nucleoporin 214; plus strand). Cytogenetic location: 9q34.13.
Variant type: single nucleotide variant.
Coding change: c.3471A>C on transcript NM_005085.4 (MANE Select); coding-DNA position 3471, A replaced by C.
Protein change: p.Pro1157=; no amino-acid change (proline 1157 retained).
Molecular consequence: synonymous variant.
Genome position (GRCh38, 1-based): chr9:131,187,340, A>C. VCF-style: chr9-131187340-A-C. GRCh37 (hg19) VCF-style: chr9-134062727-A-C.
Other names: c.3441A>C, p.Pro1147= (NM_001318324.2).
Identifiers: ClinVar variation 2659627 (VCV002659627.24), dbSNP rs983486904, ClinGen allele CA467405518.